The following is an entry in ClinVar:

ClinVar aggregate classification (germline): Uncertain significance (1 of 4 stars; one submission).

Conditions:
Cardiovascular phenotype. Identifiers: MedGen CN230736.

Submission:

Ambry Genetics
Classification: Uncertain significance for Cardiovascular phenotype. Last evaluated: 2024-04-19. Review status: criteria provided, single submitter. Criteria: Ambry Variant Classification Scheme 2023. Collection method: clinical testing. Allele origin: germline.
Comment: The p.P457R variant (also known as c.1370C>G), located in coding exon 11 of the APOB gene, results from a C to G substitution at nucleotide position 1370. The proline at codon 457 is replaced by arginine, an amino acid with dissimilar properties. This amino acid position is conserved. In addition, this alteration is predicted to be tolerated by in silico analysis. Based on the available evidence, the clinical significance of this variant remains unclear.

NM_000384.3(APOB):c.1370C>G (p.Pro457Arg)

Gene: APOB (apolipoprotein B; minus strand). Cytogenetic location: 2p24.1.
Variant type: single nucleotide variant.
Coding change: c.1370C>G on transcript NM_000384.3 (MANE Select); coding-DNA position 1370, C replaced by G.
Protein change: p.Pro457Arg; replaces proline 457 with arginine.
Molecular consequence: missense variant.
Genome position (GRCh38, 1-based): chr2:21,029,998, G>C on the plus strand (C>G on the coding strand, the complement: APOB is on the minus strand). VCF-style: chr2-21029998-G-C. GRCh37 (hg19) VCF-style: chr2-21252870-G-C.
Other names: short protein forms P457R.
Identifiers: ClinVar variation 3307715 (VCV003307715.1).